The following is an entry in ClinVar:

ClinVar aggregate classification (germline): Uncertain significance. Review status: criteria provided, multiple submitters, no conflicts (2 of 4 stars). 2 submissions from 2 submitters: Uncertain significance (2). Last evaluated 2026-08-12.

Conditions:
Inborn genetic diseases. Identifiers: MedGen C0950123, MeSH D030342.

Allele frequency attached by ClinVar (database versions not stated): gnomAD exomes 0.00001; TOPMed 0.00002; ExAC 0.00002; gnomAD 0.00001.
gnomAD v4.1: 17 of 1,613,486 alleles (0.0011%); highest among the groups gnomAD compares: Middle Eastern, 0.016%; no homozygotes.

Submissions (2):

Ambry Genetics
Classification: Uncertain significance for Inborn genetic diseases. Last evaluated: 2026-08-12. Review status: criteria provided, single submitter. Criteria: Ambry Variant Classification Scheme 2023. Collection method: clinical testing. Allele origin: germline.

Labcorp Genetics (formerly Invitae), Labcorp
Classification: Uncertain significance. Last evaluated: 2022-06-13. Review status: criteria provided, single submitter. Criteria: Invitae Variant Classification Sherloc (09022015). Collection method: clinical testing. Allele origin: germline.
Comment: In summary, the available evidence is currently insufficient to determine the role of this variant in disease. Therefore, it has been classified as a Variant of Uncertain Significance. Algorithms developed to predict the effect of missense changes on protein structure and function (SIFT, PolyPhen-2, Align-GVGD) all suggest that this variant is likely to be disruptive. ClinVar contains an entry for this variant (Variation ID: 838421). This variant has not been reported in the literature in individuals affected with ARHGEF18-related conditions. This variant is present in population databases (rs768486044, gnomAD 0.005%). This sequence change replaces arginine, which is basic and polar, with tryptophan, which is neutral and slightly polar, at codon 320 of the ARHGEF18 protein (p.Arg320Trp).

NM_001367823.1(ARHGEF18):c.1522C>T (p.Arg508Trp)

Gene: ARHGEF18 (Rho/Rac guanine nucleotide exchange factor 18; plus strand). Cytogenetic location: 19p13.2.
Variant type: single nucleotide variant.
Coding change: c.1522C>T on transcript NM_001367823.1 (MANE Select); coding-DNA position 1522, C replaced by T.
Protein change: p.Arg508Trp; replaces arginine 508 with tryptophan.
Molecular consequence: missense variant.
Genome position (GRCh38, 1-based): chr19:7,444,365, C>T. VCF-style: chr19-7444365-C-T. GRCh37 (hg19) VCF-style: chr19-7509251-C-T.
Other names: c.796C>T, p.Arg266Trp (NM_001130955.2); c.484C>T, p.Arg162Trp (NM_001367824.1, NM_015318.4); short protein forms R508W, R162W, R266W.
Identifiers: ClinVar variation 838421 (VCV000838421.7), dbSNP rs768486044, ClinGen allele CA9136492.
Genomic context (GRCh38, chr19:7,444,365, plus strand): 5'-ATTGGCCGCCTCTTCCCATGCGCTGACGACCTGCTGGAGACGCACAGCCACTTCCTCGCT[C>T]GGCTCAAGGAGCGCCGCCAGGAGTCCCTGGAGGAGGGCAGTGACCGGAATTATGTCATCC-3'
Protein context (NP_001354752.1, residues 498-518): LLETHSHFLA[Arg508Trp]LKERRQESLE